The following is an entry in ClinVar:

NM_000458.4(HNF1B):c.712T>C (p.Trp238Arg)

Genes: HNF1B (HNF1 homeobox B; minus strand), LOC126862549 (BRD4-independent group 4 enhancer GRCh37_chr17:36093401-36094600; plus strand). Cytogenetic location: 17q12.
Variant type: single nucleotide variant.
Coding change: c.712T>C on transcript NM_000458.4 (MANE Select); coding-DNA position 712, T replaced by C.
Protein change: p.Trp238Arg; replaces tryptophan 238 with arginine.
Molecular consequence: missense variant.
Genome position (GRCh38, 1-based): chr17:37,733,654, A>G on the plus strand (T>C on the coding strand, the complement: HNF1B is on the minus strand). VCF-style: chr17-37733654-A-G. GRCh37 (hg19) VCF-style: chr17-36093647-A-G.
Other names: c.634T>C, p.Trp212Arg (NM_001165923.4, NM_001304286.2); short protein forms W238R, W212R.
Identifiers: ClinVar variation 635662 (VCV000635662.1), dbSNP rs2033751993, ClinGen allele CA398748550.

ClinVar aggregate classification (germline): Likely pathogenic (1 of 4 stars; one submission).

Conditions:
Renal cysts and diabetes syndrome (RCAD). Also called: Familial hypoplastic, glomerulocystic kidney; MATURITY-ONSET DIABETES OF THE YOUNG, TYPE 5. Identifiers: Orphanet 93111, MedGen C0431693, MONDO:0007669, OMIM 137920.

Submission:

Institute of Human Genetics, FAU Erlangen, Friedrich-Alexander-Universität Erlangen-Nürnberg
Classification: Likely pathogenic for Renal cysts and diabetes syndrome. Last evaluated: 2019-07-06. Review status: criteria provided, single submitter. Criteria: ACMG Guidelines, 2015. Collection method: literature only. Allele origin: germline. Affected: yes.
Comment: This variant and it's classification has been reported by Vasileiou et al. 2019; DOI:10.1101/576918. The variants has previously been reported in PMID:28420700 as "c.712T>C,p.Trp238Arg" with clinical significance Pathogenic. It has been re-classified using InterVar and manual curation as Likely pathogenic based on PM1 PM2 PP3 PP5.

Literature cited by the submitters: PubMed 28420700; DOI 10.1101/576918.